The following is an entry in ClinVar:

NM_004371.4(COPA):c.2393C>T (p.Pro798Leu)

Gene: COPA (coat protein complex I subunit alpha; minus strand). Cytogenetic location: 1q23.2.
Variant type: single nucleotide variant.
Coding change: c.2393C>T on transcript NM_004371.4 (MANE Select); coding-DNA position 2393, C replaced by T.
Protein change: p.Pro798Leu; replaces proline 798 with leucine.
Molecular consequence: missense variant.
Genome position (GRCh38, 1-based): chr1:160,295,819, G>A on the plus strand (C>T on the coding strand, the complement: COPA is on the minus strand). VCF-style: chr1-160295819-G-A. GRCh37 (hg19) VCF-style: chr1-160265609-G-A.
Other names: c.2420C>T, p.Pro807Leu (NM_001098398.2); short protein forms P807L, P798L.
Identifiers: ClinVar variation 1431761 (VCV001431761.6), dbSNP rs368086805, ClinGen allele CA1197897.

ClinVar aggregate classification (germline): Uncertain significance (1 of 4 stars; one submission).

Conditions:
Autoimmune interstitial lung disease-arthritis syndrome. Also called: Autoinflammation and autoimmunity, systemic, with immune dysregulation. Identifiers: Orphanet 444092, MedGen C5975714, MONDO:0014629.

Allele frequency attached by ClinVar (database versions not stated): ExAC 0.00002; gnomAD 0.00003; gnomAD exomes 0.00003 and 0.00006; TOPMed 0.00005; ESP Exome Variant Server 0.00015.
gnomAD v4.1: 86 of 1,613,142 alleles (0.0053%); highest among the groups gnomAD compares: Non-Finnish European, 0.0069%; no homozygotes.

Submission:

Labcorp Genetics (formerly Invitae), Labcorp
Classification: Uncertain significance for Autoimmune interstitial lung disease-arthritis syndrome. Last evaluated: 2025-12-02. Review status: criteria provided, single submitter. Criteria: Invitae Variant Classification Sherloc (09022015). Collection method: clinical testing. Allele origin: germline.
Comment: This sequence change replaces proline, which is neutral and non-polar, with leucine, which is neutral and non-polar, at codon 798 of the COPA protein (p.Pro798Leu). This variant is present in population databases (rs368086805, gnomAD 0.01%). This variant has not been reported in the literature in individuals affected with COPA-related conditions. ClinVar contains an entry for this variant (Variation ID: 1431761). Invitae Evidence Modeling of protein sequence and biophysical properties (such as structural, functional, and spatial information, amino acid conservation, physicochemical variation, residue mobility, and thermodynamic stability) indicates that this missense variant is not expected to disrupt COPA protein function with a negative predictive value of 80%. In summary, the available evidence is currently insufficient to determine the role of this variant in disease. Therefore, it has been classified as a Variant of Uncertain Significance.